The following is an entry in ClinVar:

ClinVar aggregate classification (germline): Uncertain significance. Review status: criteria provided, multiple submitters, no conflicts (2 of 4 stars). 2 submissions from 2 submitters: Uncertain significance (2). Last evaluated 2022-06-05.

Conditions:
Muscular dystrophy-dystroglycanopathy (congenital with brain and eye anomalies), type A14. Also called: WALKER-WARBURG SYNDROME OR MUSCLE-EYE-BRAIN DISEASE, GMPPB-RELATED; Congenital Muscular Dystrophy-Dystroglycanopathy with Brain and Eye Anomalies Type A 14; Congenital muscular dystrophy-dystroglycanopathy with brain and eye anomalies, type A14; Muscular dystrophy-dystroglycanopathy (congenital with brain and eye anomalies), type a, 14. Identifiers: Orphanet 588, MedGen C3809216, MONDO:0014140, OMIM 615350.
Muscular dystrophy-dystroglycanopathy (congenital with impaired intellectual development), type B, 14. Also called: Muscular dystrophy-dystroglycanopathy (congenital with intellectual disability), type B14; MUSCULAR DYSTROPHY, CONGENITAL, GMPPB-RELATED; Congenital muscular dystrophy-dystroglycanopathy with mental retardation, type B14. Identifiers: MedGen C3809221, MONDO:0014141, OMIM 615351.
Autosomal recessive limb-girdle muscular dystrophy type 2T. Also called: MUSCULAR DYSTROPHY-DYSTROGLYCANOPATHY, LIMB-GIRDLE, GMPPB-RELATED; Limb-girdle muscular dystrophy-dystroglycanopathy, type C14; MUSCULAR DYSTROPHY, LIMB-GIRDLE, TYPE 2T; Muscular dystrophy-dystroglycanopathy (limb-girdle), type c, 14. Identifiers: Orphanet 363623, MedGen C4518000, MONDO:0014142, OMIM 615352.

Allele frequency attached by ClinVar (database versions not stated): TOPMed 0.00006; gnomAD exomes 0.00005 and 0.00010; gnomAD 0.00009 and 0.00010; ExAC 0.00005; ESP Exome Variant Server 0.00015.
gnomAD v4.1: 160 of 1,594,472 alleles (0.01%); highest among the groups gnomAD compares: Non-Finnish European, 0.012%; no homozygotes.

Submissions (2):

Labcorp Genetics (formerly Invitae), Labcorp
Classification: Uncertain significance for Autosomal recessive limb-girdle muscular dystrophy type 2T; Muscular dystrophy-dystroglycanopathy (congenital with brain and eye anomalies), type A14; Muscular dystrophy-dystroglycanopathy (congenital with impaired intellectual development), type B, 14. Last evaluated: 2022-06-05. Review status: criteria provided, single submitter. Criteria: Invitae Variant Classification Sherloc (09022015). Collection method: clinical testing. Allele origin: germline.
Comment: This sequence change falls in intron 1 of the GMPPB gene. It does not directly change the encoded amino acid sequence of the GMPPB protein. It affects a nucleotide within the consensus splice site. This variant is present in population databases (rs370203820, gnomAD 0.01%). This variant has not been reported in the literature in individuals affected with GMPPB-related conditions. ClinVar contains an entry for this variant (Variation ID: 971209). Variants that disrupt the consensus splice site are a relatively common cause of aberrant splicing (PMID: 17576681, 9536098). Algorithms developed to predict the effect of sequence changes on RNA splicing suggest that this variant is not likely to affect RNA splicing. In summary, the available evidence is currently insufficient to determine the role of this variant in disease. Therefore, it has been classified as a Variant of Uncertain Significance.

GeneDx
Classification: Uncertain significance. Last evaluated: 2021-07-08. Review status: criteria provided, single submitter. Criteria: GeneDx Variant Classification Process June 2021. Collection method: clinical testing. Allele origin: germline. Affected: yes.
Comment: Not observed at significant frequency in large population cohorts (Lek et al., 2016); In silico analysis supports that this variant does not alter splicing; Has not been previously published as pathogenic or benign to our knowledge; This variant is associated with the following publications: (PMID: 27535533)

Literature cited by the submitters: PubMed 17576681 (cited by Labcorp Genetics (formerly Invitae), Labcorp); PubMed 9536098 (cited by Labcorp Genetics (formerly Invitae), Labcorp).

NM_021971.4(GMPPB):c.129+5G>A

Gene: GMPPB (GDP-mannose pyrophosphorylase B; minus strand). Cytogenetic location: 3p21.31.
Variant type: single nucleotide variant.
Coding change: c.129+5G>A on transcript NM_021971.4 (MANE Select); 5 bases into the intron after coding-DNA position 129, G replaced by A.
Molecular consequence: intron variant.
Genome position (GRCh38, 1-based): chr3:49,723,593, C>T on the plus strand (G>A on the coding strand, the complement: GMPPB is on the minus strand). VCF-style: chr3-49723593-C-T. GRCh37 (hg19) VCF-style: chr3-49761026-C-T.
Other names: c.129+5G>A (NM_013334.4).
Identifiers: ClinVar variation 971209 (VCV000971209.6), dbSNP rs370203820, ClinGen allele CA2405698.
Genomic context (GRCh38, chr3:49,723,593, plus strand): 5'-AGTCGCTGGCCATCCCTAGTCCCGCCAGATCCGAACGCGACTCTGATCCCGACCCAGGGT[C>T]TTACCGCGGCTAGCGCCTCCACTTGGTGCAGCAAGATGGGCTTATTGCAGAAGTCCACCA-3'